The following is an entry in ClinVar:

NM_003227.4(TFR2):c.1938C>G (p.Tyr646Ter)

Gene: TFR2 (transferrin receptor 2; minus strand). Cytogenetic location: 7q22.1.
Variant type: single nucleotide variant.
Coding change: c.1938C>G on transcript NM_003227.4 (MANE Select); coding-DNA position 1938, C replaced by G.
Protein change: p.Tyr646Ter; replaces tyrosine 646 with a stop codon.
Molecular consequence: nonsense.
Genome position (GRCh38, 1-based): chr7:100,627,321, G>C on the plus strand (C>G on the coding strand, the complement: TFR2 is on the minus strand). VCF-style: chr7-100627321-G-C. GRCh37 (hg19) VCF-style: chr7-100224944-G-C.
Other names: c.1425C>G, p.Tyr475Ter (NM_001206855.3); short protein forms Y646*, Y475*.
Identifiers: ClinVar variation 3018861 (VCV003018861.3), dbSNP rs1324815806, ClinGen allele CA368524469.

ClinVar aggregate classification (germline): Pathogenic (1 of 4 stars; one submission).

Conditions:
Hereditary hemochromatosis (HFE). Identifiers: MedGen C0392514, MONDO:0006507. Disease mechanism: loss of function.

Submission:

Labcorp Genetics (formerly Invitae), Labcorp
Classification: Pathogenic for Hereditary hemochromatosis. Last evaluated: 2023-07-13. Review status: criteria provided, single submitter. Criteria: Invitae Variant Classification Sherloc (09022015). Collection method: clinical testing. Allele origin: germline.
Comment: For these reasons, this variant has been classified as Pathogenic. This variant has not been reported in the literature in individuals affected with TFR2-related conditions. This variant is not present in population databases (gnomAD no frequency). This sequence change creates a premature translational stop signal (p.Tyr646*) in the TFR2 gene. It is expected to result in an absent or disrupted protein product. Loss-of-function variants in TFR2 are known to be pathogenic (PMID: 23600741, 26029709).

Literature cited by the submitters: PubMed 23600741; PubMed 26029709.